The following is an entry in ClinVar:

ClinVar aggregate classification (germline): Pathogenic. Review status: criteria provided, single submitter (1 of 4 stars). 4 submissions from 4 submitters: Pathogenic (1). 3 of the submissions do not count toward it. Last evaluated 2025-11-22.

Conditions:
Cerebral arteriopathy, autosomal recessive, with subcortical infarcts and leukoencephalopathy 2. Also called: MAEDA SYNDROME; CEREBROVASCULAR DISEASE WITH THIN SKIN, ALOPECIA, AND DISC DISEASE; SUBCORTICAL VASCULAR ENCEPHALOPATHY, PROGRESSIVE; CARASIL syndrome; Cerebral autosomal recessive arteriopathy with subcortical infarcts and leukoencephalopathy. Identifiers: Orphanet 199354, MedGen C6022615, MONDO:0010829, OMIM 600142.

Allele frequency attached by ClinVar (database versions not stated): gnomAD 0.00001; gnomAD exomes below 0.00001.
gnomAD v4.1: 2 of 1,613,778 alleles (0.00012%); highest among the groups gnomAD compares: Non-Finnish European, 0.00017%; no homozygotes.

Submissions (4):

Labcorp Genetics (formerly Invitae), Labcorp
Classification: Pathogenic. Last evaluated: 2025-11-22. Review status: criteria provided, single submitter. Criteria: Invitae Variant Classification Sherloc (09022015). Collection method: clinical testing. Allele origin: germline.
Comment: This sequence change replaces valine, which is neutral and non-polar, with methionine, which is neutral and non-polar, at codon 297 of the HTRA1 protein (p.Val297Met). This variant is not present in population databases (gnomAD no frequency). This missense change has been observed in individuals with clinical features of HTRA1-related conditions (PMID: 19387015, 34510819). ClinVar contains an entry for this variant (Variation ID: 7489). Invitae Evidence Modeling of protein sequence and biophysical properties (such as structural, functional, and spatial information, amino acid conservation, physicochemical variation, residue mobility, and thermodynamic stability) indicates that this missense variant is expected to disrupt HTRA1 protein function with a positive predictive value of 95%. Experimental studies have shown that this missense change affects HTRA1 function (PMID: 19387015, 21482952). For these reasons, this variant has been classified as Pathogenic.

OMIM
Classification: Pathogenic for CEREBRAL ARTERIOPATHY, AUTOSOMAL RECESSIVE, WITH SUBCORTICAL INFARCTS AND LEUKOENCEPHALOPATHY 2. Last evaluated: 2009-04-23. Review status: no assertion criteria provided. Collection method: literature only. Allele origin: germline. Not counted in ClinVar's aggregate classification.

GeneReviews
No classification provided. Condition: Cerebral arteriopathy, autosomal recessive, with subcortical infarcts and leukoencephalopathy 2. Review status: no classification provided. Collection method: literature only. Allele origin: germline. Affected: yes. Not counted in ClinVar's aggregate classification.

UniProtKB/Swiss-Prot
No classification provided. Condition: Cerebral autosomal recessive arteriopathy with subcortical infarcts and leukoencephalopathy. Review status: no classification provided. Collection method: not provided. Allele origin: not provided. Not counted in ClinVar's aggregate classification.

Literature cited by the submitters: PubMed 19387015 (cited by 3 submitters); PubMed 34510819 (cited by Labcorp Genetics (formerly Invitae), Labcorp); PubMed 21482952 (cited by Labcorp Genetics (formerly Invitae), Labcorp); NCBI Bookshelf NBK32533 (cited by GeneReviews).

NM_002775.5(HTRA1):c.889G>A (p.Val297Met)

Gene: HTRA1 (HtrA serine peptidase 1; plus strand). Cytogenetic location: 10q26.13.
Variant type: single nucleotide variant.
Coding change: c.889G>A on transcript NM_002775.5 (MANE Select); coding-DNA position 889, G replaced by A.
Protein change: p.Val297Met; replaces valine 297 with methionine.
Molecular consequence: missense variant.
Genome position (GRCh38, 1-based): chr10:122,506,802, G>A. VCF-style: chr10-122506802-G-A. GRCh37 (hg19) VCF-style: chr10-124266318-G-A.
Other names: short protein forms V297M.
Identifiers: ClinVar variation 7489 (VCV000007489.3), dbSNP rs113993969, ClinGen allele CA340685.